The following is an entry in ClinVar:

ClinVar aggregate classification (germline): Pathogenic (0 of 4 stars; one submission).

Conditions:
Familial hypercholesterolemia. Also called: Familial hypercholesterolaemia. Identifiers: MedGen C0020445, MONDO:0005439.

Submission:

Research Laboratories, P. D. Hinduja Hospital & MRC
Classification: Pathogenic for Familial hypercholesterolemia. Last evaluated: 2022-12-16. Review status: no assertion criteria provided. Collection method: case-control. Allele origin: germline. Affected: yes. Observed: 1 variant allele, 1 heterozygote.
Comment: This variant was identified as part of the ICMR-funded project (Ref No. 2020-3881). A frameshift deletion in ITPR2 (NM_002223.4), exon 54: c.7391delC, resulting in a frameshift at proline 2464 and a premature stop codon 9 residues downstream (p.P2464Qfs*9). To our knowledge, functional studies specific to this variant have not been reported. This variant has not been described in individuals with Familial Hypercholesterolemia (FH) in the literature; however, the ITPR2 gene is associated with lipid metabolism according to the LIPID MAPS Proteome Database (LMPD). Computational predictions using MutationTaster and PolyPhen-2 suggest that this variant is likely deleterious and possibly damaging to protein function (GRCh38)."

NM_002223.4(ITPR2):c.7391del (p.Ala2463_Ser2464insTer)

Genes: ITPR2 (inositol 1,4,5-trisphosphate receptor type 2; minus strand), ITPR2-AS2 (ITPR2 antisense RNA 2; plus strand). Cytogenetic location: 12p11.23.
Variant type: Deletion.
Coding change: c.7391del on transcript NM_002223.4 (MANE Select); coding-DNA position 7391, one base deleted (C; older notation c.7391delC).
Protein change: p.Ala2463_Ser2464insTer.
Molecular consequence: nonsense.
Genome position (GRCh38, 1-based): chr12:26,411,328, G deleted on the plus strand (C on the coding strand, the reverse complement: ITPR2 is on the minus strand). VCF-style (leftmost placement, unchanged base first): chr12-26411327-TG-T. GRCh37 (hg19) VCF-style: chr12-26564260-TG-T.
Other names: c.7388del, p.Ala2462_Ser2463insTer (NM_001414174.1); c.7172del, p.Ala2390_Ser2391insTer (NM_001414175.1); c.7391delC (NM_002223.4).
Identifiers: ClinVar variation 4082119 (VCV004082119.1).